The following is an entry in ClinVar:

NM_006859.4(LIAS):c.592T>A (p.Ser198Thr)

Gene: LIAS (lipoic acid synthetase; plus strand). Cytogenetic location: 4p14.
Variant type: single nucleotide variant.
Coding change: c.592T>A on transcript NM_006859.4 (MANE Select); coding-DNA position 592, T replaced by A.
Protein change: p.Ser198Thr; replaces serine 198 with threonine.
Molecular consequence: missense variant. On other transcripts: intron variant (1).
Genome position (GRCh38, 1-based): chr4:39,465,326, T>A. VCF-style: chr4-39465326-T-A. GRCh37 (hg19) VCF-style: chr4-39466946-T-A.
Other names: c.592T>A, p.Ser198Thr (NM_001278590.2, NM_194451.3); c.299+1721T>A (NM_001363700.2); short protein forms S198T.
Identifiers: ClinVar variation 540090 (VCV000540090.6), dbSNP rs1553934367, ClinGen allele CA356664778.

ClinVar aggregate classification (germline): Uncertain significance (1 of 4 stars; one submission).

Conditions:
Lipoic acid synthetase deficiency. Also called: HYPERGLYCINEMIA, LACTIC ACIDOSIS, AND SEIZURES. Identifiers: Orphanet 401859, MedGen C3280887, MONDO:0013762, OMIM 614462.

Submission:

Labcorp Genetics (formerly Invitae), Labcorp
Classification: Uncertain significance for Lipoic acid synthetase deficiency. Last evaluated: 2022-08-23. Review status: criteria provided, single submitter. Criteria: Invitae Variant Classification Sherloc (09022015). Collection method: clinical testing. Allele origin: germline.
Comment: This sequence change replaces serine, which is neutral and polar, with threonine, which is neutral and polar, at codon 198 of the LIAS protein (p.Ser198Thr). This variant is not present in population databases (gnomAD no frequency). This variant has not been reported in the literature in individuals affected with LIAS-related conditions. ClinVar contains an entry for this variant (Variation ID: 540090). Algorithms developed to predict the effect of missense changes on protein structure and function (SIFT, PolyPhen-2, Align-GVGD) all suggest that this variant is likely to be tolerated. In summary, the available evidence is currently insufficient to determine the role of this variant in disease. Therefore, it has been classified as a Variant of Uncertain Significance.